The following is an entry in ClinVar:

NM_022124.6(CDH23):c.8283C>G (p.Asn2761Lys)

Gene: CDH23 (cadherin related 23; plus strand). Cytogenetic location: 10q22.1.
Variant type: single nucleotide variant.
Coding change: c.8283C>G on transcript NM_022124.6 (MANE Select); coding-DNA position 8283, C replaced by G.
Protein change: p.Asn2761Lys; replaces asparagine 2761 with lysine.
Molecular consequence: missense variant.
Genome position (GRCh38, 1-based): chr10:71,807,381, C>G. VCF-style: chr10-71807381-C-G. GRCh37 (hg19) VCF-style: chr10-73567138-C-G.
Other names: c.1563C>G, p.Asn521Lys (NM_001171933.1, NM_001171934.1); short protein forms N2761K, N521K.
Identifiers: ClinVar variation 46047 (VCV000046047.9), dbSNP rs397517357, ClinGen allele CA137594.

ClinVar aggregate classification (germline): Uncertain significance. Review status: criteria provided, multiple submitters, no conflicts (2 of 4 stars). 4 submissions from 4 submitters: Uncertain significance (3). 1 of the submissions does not count toward it. Last evaluated 2025-12-21.

Conditions:
Usher syndrome type 1 (USH1). Also called: RETINITIS PIGMENTOSA AND CONGENITAL DEAFNESS. Identifiers: Orphanet 231169, Orphanet 886, MedGen C1568247, MONDO:0010168, OMIM 276900.

gnomAD v4.1: 2 of 1,613,912 alleles (0.00012%); highest among the groups gnomAD compares: Non-Finnish European, 0.00017%; no homozygotes.

Submissions (4):

Labcorp Genetics (formerly Invitae), Labcorp
Classification: Uncertain significance. Last evaluated: 2025-12-21. Review status: criteria provided, single submitter. Criteria: Invitae Variant Classification Sherloc (09022015). Collection method: clinical testing. Allele origin: germline.
Comment: This sequence change replaces asparagine, which is neutral and polar, with lysine, which is basic and polar, at codon 2761 of the CDH23 protein (p.Asn2761Lys). This variant is not present in population databases (gnomAD no frequency). This variant has not been reported in the literature in individuals affected with CDH23-related conditions. ClinVar contains an entry for this variant (Variation ID: 46047). Invitae Evidence Modeling of protein sequence and biophysical properties (such as structural, functional, and spatial information, amino acid conservation, physicochemical variation, residue mobility, and thermodynamic stability) has been performed for this missense variant. However, the output from this modeling did not meet the statistical confidence thresholds required to predict the impact of this variant on CDH23 protein function. In summary, the available evidence is currently insufficient to determine the role of this variant in disease. Therefore, it has been classified as a Variant of Uncertain Significance.

Blueprint Genetics
Classification: Uncertain significance. Last evaluated: 2024-02-07. Review status: criteria provided, single submitter. Criteria: ACMG Guidelines, 2015. Collection method: clinical testing. Allele origin: germline.

Laboratory for Molecular Medicine, Mass General Brigham Personalized Medicine
Classification: Uncertain significance. Last evaluated: 2010-08-19. Review status: criteria provided, single submitter. Criteria: LMM Criteria. Collection method: clinical testing. Allele origin: germline. Observed: 1 variant allele.
Comment: The Asn2761Lys variant in the CDH23 gene has not been reported in the literature nor previously identified by our laboratory. The Asn (Asparagine) residue is co nserved across mammals and chicken and computational analyses (PolyPhen, SIFT, A lignGVGD) suggest that the Lys (Lysine) variant may impact the protein. However, this information is not predictive enough to assume pathogenicity. It should be noted that this lab has only sequenced the CDH23 gene in 121 individuals such t hat the full spectrum of benign variation has not yet been defined for this gene . Therefore, it is possible that this could be a benign variant. In summary, the clinical significance of this variant cannot be determined with certainty at th is time.

Natera, Inc.
Classification: Uncertain significance for Usher syndrome type 1. Last evaluated: 2020-02-21. Review status: no assertion criteria provided. Collection method: clinical testing. Allele origin: germline. Not counted in ClinVar's aggregate classification.